The following is an entry in ClinVar:

ClinVar aggregate classification (germline): Uncertain significance (1 of 4 stars; one submission).

Conditions:
Gastrointestinal stromal tumor. Also called: Gastrointestinal stromal tumor, somatic; Gastrointestinal stroma tumor. Identifiers: Orphanet 44890, MedGen C0238198, MeSH D046152, MONDO:0011719, OMIM 606764, HP:0100723.

Submission:

Labcorp Genetics (formerly Invitae), Labcorp
Classification: Uncertain significance for Gastrointestinal stromal tumor. Last evaluated: 2025-06-10. Review status: criteria provided, single submitter. Criteria: Invitae Variant Classification Sherloc (09022015). Collection method: clinical testing. Allele origin: germline.
Comment: This sequence change replaces histidine, which is basic and polar, with glutamine, which is neutral and polar, at codon 802 of the KIT protein (p.His802Gln). This variant is not present in population databases (gnomAD no frequency). This variant has not been reported in the literature in individuals affected with KIT-related conditions. An algorithm developed to predict the effect of missense changes on protein structure and function (PolyPhen-2) suggests that this variant is likely to be disruptive. In summary, the available evidence is currently insufficient to determine the role of this variant in disease. Therefore, it has been classified as a Variant of Uncertain Significance.

NM_000222.3(KIT):c.2406T>G (p.His802Gln)

Gene: KIT (KIT proto-oncogene, receptor tyrosine kinase; plus strand). Cytogenetic location: 4q12.
Variant type: single nucleotide variant.
Coding change: c.2406T>G on transcript NM_000222.3 (MANE Select); coding-DNA position 2406, T replaced by G.
Protein change: p.His802Gln; replaces histidine 802 with glutamine.
Molecular consequence: missense variant.
Genome position (GRCh38, 1-based): chr4:54,733,114, T>G. VCF-style: chr4-54733114-T-G. GRCh37 (hg19) VCF-style: chr4-55599280-T-G.
Other names: c.2403T>G, p.His801Gln (NM_001385285.1); c.2391T>G, p.His797Gln (NM_001385286.1); c.2397T>G, p.His799Gln (NM_001385288.1); c.2406T>G, p.His802Gln (NM_001385290.1); c.2394T>G, p.His798Gln (NM_001385292.1, NM_001093772.2); c.2409T>G, p.His803Gln (NM_001385284.1); short protein forms H797Q, H802Q, H799Q, H801Q, H803Q, H798Q.
Identifiers: ClinVar variation 4721119 (VCV004721119.1).
Genomic context (GRCh38, chr4:54,733,114, plus strand): 5'-TCCTCCAACCTAATAGTGTATTCACAGAGACTTGGCAGCCAGAAATATCCTCCTTACTCA[T>G]GGTCGGATCACAAAGATTTGTGATTTTGGTCTAGCCAGAGACATCAAGAATGATTCTAAT-3'
Protein context (NP_000213.1, residues 792-812): DLAARNILLT[His802Gln]GRITKICDFG